The following is an entry in ClinVar:

ClinVar aggregate classification (germline): Uncertain significance (1 of 4 stars; one submission).

Conditions:
Hypertrophic cardiomyopathy 19. Also called: Familial hypertrophic cardiomyopathy 19. Identifiers: MedGen CN077603, MONDO:0013476.

Allele frequency attached by ClinVar (database versions not stated): gnomAD exomes below 0.00001 and 0.00001; TOPMed 0.00001.

Submission:

Labcorp Genetics (formerly Invitae), Labcorp
Classification: Uncertain significance for Hypertrophic cardiomyopathy 19. Last evaluated: 2021-06-11. Review status: criteria provided, single submitter. Criteria: Invitae Variant Classification Sherloc (09022015). Collection method: clinical testing. Allele origin: germline.
Comment: This variant has not been reported in the literature in individuals with CALR3-related conditions. This variant is not present in population databases (ExAC no frequency). This sequence change replaces glutamic acid with lysine at codon 156 of the CALR3 protein (p.Glu156Lys). The glutamic acid residue is weakly conserved and there is a small physicochemical difference between glutamic acid and lysine. Algorithms developed to predict the effect of missense changes on protein structure and function (SIFT, PolyPhen-2, Align-GVGD) all suggest that this variant is likely to be tolerated, but these predictions have not been confirmed by published functional studies and their clinical significance is uncertain. In summary, the available evidence is currently insufficient to determine the role of this variant in disease. Therefore, it has been classified as a Variant of Uncertain Significance.

NM_145046.5(CALR3):c.466G>A (p.Glu156Lys)

Gene: CALR3 (calreticulin 3; minus strand). Cytogenetic location: 19p13.11.
Variant type: single nucleotide variant.
Coding change: c.466G>A on transcript NM_145046.5 (MANE Select); coding-DNA position 466, G replaced by A.
Protein change: p.Glu156Lys; replaces glutamic acid 156 with lysine.
Molecular consequence: missense variant.
Genome position (GRCh38, 1-based): chr19:16,485,189, C>T on the plus strand (G>A on the coding strand, the complement: CALR3 is on the minus strand). VCF-style: chr19-16485189-C-T. GRCh37 (hg19) VCF-style: chr19-16596000-C-T.
Other names: short protein forms E156K.
Identifiers: ClinVar variation 1519370 (VCV001519370.8), dbSNP rs1442412253, ClinGen allele CA404610641.